The following is an entry in ClinVar:

NM_003238.6(TGFB2):c.165A>C (p.Glu55Asp)

Gene: TGFB2 (transforming growth factor beta 2; plus strand). Cytogenetic location: 1q41.
Variant type: single nucleotide variant.
Coding change: c.165A>C on transcript NM_003238.6 (MANE Select); coding-DNA position 165, A replaced by C.
Protein change: p.Glu55Asp; replaces glutamic acid 55 with aspartic acid.
Molecular consequence: missense variant. On other transcripts: non-coding transcript variant (2).
Genome position (GRCh38, 1-based): chr1:218,346,866, A>C. VCF-style: chr1-218346866-A-C. GRCh37 (hg19) VCF-style: chr1-218520208-A-C.
Other names: c.165A>C, p.Glu55Asp (NM_001135599.4); short protein forms E55D.
Identifiers: ClinVar variation 4865641 (VCV004865641.1).

ClinVar aggregate classification (germline): Uncertain significance (1 of 4 stars; one submission).

Conditions:
Familial thoracic aortic aneurysm and aortic dissection (TAAD). Also called: Thoracic aortic aneurysms and dissections. Identifiers: Orphanet 91387, MedGen C4707243, MONDO:0019625.

Submission:

Ambry Genetics
Classification: Uncertain significance for Familial thoracic aortic aneurysm and aortic dissection. Last evaluated: 2026-05-14. Review status: criteria provided, single submitter. Criteria: Ambry Variant Classification Scheme 2023. Collection method: clinical testing. Allele origin: germline.
Comment: The p.E55D variant (also known as c.165A>C), located in coding exon 1 of the TGFB2 gene, results from an A to C substitution at nucleotide position 165. The glutamic acid at codon 55 is replaced by aspartic acid, an amino acid with highly similar properties. This amino acid position is conserved. In addition, this alteration is predicted to be tolerated by in silico analysis. Based on the available evidence, the clinical significance of this variant remains unclear.